The following is an entry in ClinVar:

NM_198483.4(RUFY4):c.49G>A (p.Ala17Thr)

Gene: RUFY4 (RUN and FYVE domain containing 4; plus strand). Cytogenetic location: 2q35.
Variant type: single nucleotide variant.
Coding change: c.49G>A on transcript NM_198483.4 (MANE Select); coding-DNA position 49, G replaced by A.
Protein change: p.Ala17Thr; replaces alanine 17 with threonine.
Molecular consequence: missense variant. On other transcripts: non-coding transcript variant (1).
Genome position (GRCh38, 1-based): chr2:218,070,755, G>A. VCF-style: chr2-218070755-G-A. GRCh37 (hg19) VCF-style: chr2-218935478-G-A.
Other names: short protein forms A17T.
Identifiers: ClinVar variation 2651873 (VCV002651873.24), dbSNP rs113075492, ClinGen allele CA2101168.

ClinVar aggregate classification (germline): Likely benign (1 of 4 stars; one submission).

Allele frequency attached by ClinVar (database versions not stated): 1000 Genomes Project 30x 0.00031; ESP Exome Variant Server 0.00044; TOPMed 0.00071; gnomAD 0.00072; gnomAD exomes 0.00084; ExAC 0.00133.
gnomAD v4.1: 1,261 of 1,536,840 alleles (0.082%); highest among the groups gnomAD compares: Middle Eastern, 0.1%; no homozygotes.

Submission:

CeGaT Center for Human Genetics Tuebingen
Classification: Likely benign. Last evaluated: 2022-04-01. Review status: criteria provided, single submitter. Criteria: CeGaT Center For Human Genetics Tuebingen Variant Classification Criteria Version 2. Collection method: clinical testing. Allele origin: germline. Affected: yes. Observed: 1 variant allele.
Comment: RUFY4: BP4